The following is an entry in ClinVar:

NM_031206.7(LAS1L):c.930G>C (p.Glu310Asp)

Gene: LAS1L (LAS1 like ribosome biogenesis factor; minus strand). Cytogenetic location: Xq12.
Variant type: single nucleotide variant.
Coding change: c.930G>C on transcript NM_031206.7 (MANE Select); coding-DNA position 930, G replaced by C.
Protein change: p.Glu310Asp; replaces glutamic acid 310 with aspartic acid.
Molecular consequence: missense variant. On other transcripts: non-coding transcript variant (2), intron variant (1).
Genome position (GRCh38, 1-based): chrX:65,528,286, C>G on the plus strand (G>C on the coding strand, the complement: LAS1L is on the minus strand). VCF-style: chrX-65528286-C-G. GRCh37 (hg19) VCF-style: chrX-64748166-C-G.
Other names: c.930G>C, p.Glu310Asp (NM_001170649.2, NM_001375328.1, NM_001375329.1 and 10 more transcripts); c.804G>C, p.Glu268Asp (NM_001170650.2); c.50+926G>C (NM_001375332.1); short protein forms E310D, E268D.
Identifiers: ClinVar variation 4753414 (VCV004753414.1).

ClinVar aggregate classification (germline): Uncertain significance (1 of 4 stars; one submission).

Conditions:
Wilson-Turner syndrome (WTS). Also called: INTELLECTUAL DEVELOPMENTAL DISORDER, X-LINKED, SYNDROMIC, WILSON-TURNER TYPE; MENTAL RETARDATION, X-LINKED, SYNDROMIC 6. Identifiers: Orphanet 3459, MedGen C1839736, MONDO:0010665, OMIM 309585.

gnomAD v4.1: 58 of 1,200,135 alleles (0.0048%); highest among the groups gnomAD compares: Non-Finnish European, 0.0064%; no homozygotes.

Submission:

Labcorp Genetics (formerly Invitae), Labcorp
Classification: Uncertain significance for Wilson-Turner syndrome. Last evaluated: 2025-12-14. Review status: criteria provided, single submitter. Criteria: Invitae Variant Classification Sherloc (09022015). Collection method: clinical testing. Allele origin: germline.
Comment: This sequence change replaces glutamic acid, which is acidic and polar, with aspartic acid, which is acidic and polar, at codon 310 of the LAS1L protein (p.Glu310Asp). This variant is present in population databases (rs751466182, gnomAD 0.007%). This variant has not been reported in the literature in individuals affected with LAS1L-related conditions. Invitae Evidence Modeling of protein sequence and biophysical properties (such as structural, functional, and spatial information, amino acid conservation, physicochemical variation, residue mobility, and thermodynamic stability) indicates that this missense variant is not expected to disrupt LAS1L protein function with a negative predictive value of 80%. In summary, the available evidence is currently insufficient to determine the role of this variant in disease. Therefore, it has been classified as a Variant of Uncertain Significance.